The following is an entry in ClinVar:

NM_152594.3(SPRED1):c.80C>G (p.Ser27Ter)

Gene: SPRED1 (sprouty related EVH1 domain containing 1; plus strand). Cytogenetic location: 15q14.
Variant type: single nucleotide variant.
Coding change: c.80C>G on transcript NM_152594.3 (MANE Select); coding-DNA position 80, C replaced by G.
Protein change: p.Ser27Ter; replaces serine 27 with a stop codon.
Molecular consequence: nonsense.
Genome position (GRCh38, 1-based): chr15:38,299,420, C>G. VCF-style: chr15-38299420-C-G. GRCh37 (hg19) VCF-style: chr15-38591621-C-G.
Other names: short protein forms S27*.
Identifiers: ClinVar variation 4803688 (VCV004803688.1).
Genomic context (GRCh38, chr15:38,299,420, plus strand): 5'-GCATCTATTTTAGTAATAGTTATGCACGAGTGCGAGCTGTGGTGATGACCCGAGATGACT[C>G]AAGTGGTGGATGGTTACCACTTGGAGGGAGTGGACTAAGCAGCGTCACTGTCTTCAAAGT-3'

ClinVar aggregate classification (germline): Pathogenic (1 of 4 stars; one submission).

Conditions:
Legius syndrome. Identifiers: Orphanet 137605, MedGen C1969623, MONDO:0012669, OMIM 611431. Disease mechanism: loss of function.

Submission:

Labcorp Genetics (formerly Invitae), Labcorp
Classification: Pathogenic for Legius syndrome. Last evaluated: 2025-04-22. Review status: criteria provided, single submitter. Criteria: Invitae Variant Classification Sherloc (09022015). Collection method: clinical testing. Allele origin: germline.
Comment: This sequence change creates a premature translational stop signal (p.Ser27*) in the SPRED1 gene. It is expected to result in an absent or disrupted protein product. Loss-of-function variants in SPRED1 are known to be pathogenic (PMID: 17704776). This variant is not present in population databases (gnomAD no frequency). This variant has not been reported in the literature in individuals affected with SPRED1-related conditions. For these reasons, this variant has been classified as Pathogenic.

Literature cited by the submitters: PubMed 17704776.